The following is an entry in ClinVar:

NM_004064.5(CDKN1B):c.283C>G (p.Pro95Ala)

Gene: CDKN1B (cyclin dependent kinase inhibitor 1B; plus strand). Cytogenetic location: 12p13.1.
Variant type: single nucleotide variant.
Coding change: c.283C>G on transcript NM_004064.5 (MANE Select); coding-DNA position 283, C replaced by G.
Protein change: p.Pro95Ala; replaces proline 95 with alanine.
Molecular consequence: missense variant.
Genome position (GRCh38, 1-based): chr12:12,718,122, C>G. VCF-style: chr12-12718122-C-G. GRCh37 (hg19) VCF-style: chr12-12871056-C-G.
Other names: short protein forms P95A.
Identifiers: ClinVar variation 705103 (VCV000705103.19), dbSNP rs188579132, ClinGen allele CA6457448.
Genomic context (GRCh38, chr12:12,718,122, plus strand): 5'-GAGTGGCAAGAGGTGGAGAAGGGCAGCTTGCCCGAGTTCTACTACAGACCCCCGCGGCCC[C>G]CCAAAGGTGCCTGCAAGGTGCCGGCGCAGGAGAGCCAGGATGTCAGCGGGAGCCGCCCGG-3'
Protein context (NP_004055.1, residues 85-105): PEFYYRPPRP[Pro95Ala]KGACKVPAQE

ClinVar aggregate classification (germline): Conflicting classifications of pathogenicity. Review status: criteria provided, conflicting classifications (1 of 4 stars). 6 submissions from 6 submitters: Uncertain significance (1); Benign (1); Likely benign (4). Last evaluated 2026-05-29.

Conditions:
Multiple endocrine neoplasia type 4. Also called: MULTIPLE ENDOCRINE NEOPLASIA, TYPE IV. Identifiers: Orphanet 276152, MedGen C1970712, MONDO:0012552, OMIM 610755.
Hereditary cancer-predisposing syndrome. Also called: Neoplastic Syndromes, Hereditary; Tumor predisposition; Hereditary Cancer Syndrome; Hereditary neoplastic syndrome. Identifiers: Orphanet 140162, MedGen C0027672, MeSH D009386, MONDO:0015356.
CDKN1B-related disorder. Also called: CDKN1B-related condition.

Allele frequency attached by ClinVar (database versions not stated): TOPMed 0.00008; 1000 Genomes Project 30x 0.00031.
gnomAD v4.1: 23 of 1,614,186 alleles (0.0014%); highest among the groups gnomAD compares: East Asian, 0.045%; no homozygotes.

Submissions (6):

PreventionGenetics, part of Exact Sciences
Classification: Likely benign for CDKN1B-related condition. Last evaluated: 2026-05-29. Review status: criteria provided, single submitter. Criteria: ACMG Guidelines, 2015. Collection method: clinical testing. Allele origin: germline.
Comment: This variant is classified as likely benign based on ACMG/AMP sequence variant interpretation guidelines (Richards et al. 2015 PMID: 25741868, with internal and published modifications).

Labcorp Genetics (formerly Invitae), Labcorp
Classification: Likely benign for Multiple endocrine neoplasia type 4. Last evaluated: 2026-01-12. Review status: criteria provided, single submitter. Criteria: Invitae Variant Classification Sherloc (09022015). Collection method: clinical testing. Allele origin: germline.

Quest Diagnostics Nichols Institute San Juan Capistrano
Classification: Likely benign. Last evaluated: 2023-08-18. Review status: criteria provided, single submitter. Criteria: Quest Diagnostics criteria. Collection method: clinical testing. Allele origin: unknown.

GeneDx
Classification: Uncertain significance. Last evaluated: 2023-06-06. Review status: criteria provided, single submitter. Criteria: GeneDx Variant Classification Process June 2021. Collection method: clinical testing. Allele origin: germline. Affected: yes.
Comment: In silico analysis supports that this missense variant does not alter protein structure/function; Has not been previously published as pathogenic or benign to our knowledge

Ambry Genetics
Classification: Benign for Hereditary cancer-predisposing syndrome. Last evaluated: 2023-01-30. Review status: criteria provided, single submitter. Criteria: Ambry Variant Classification Scheme 2023. Collection method: clinical testing. Allele origin: germline.

Sema4
Classification: Likely benign for Hereditary cancer-predisposing syndrome. Last evaluated: 2021-12-29. Review status: criteria provided, single submitter. Criteria: Sema4 Curation Guidelines. Collection method: curation. Allele origin: germline.